The following is an entry in ClinVar:

NM_006950.3(SYN1):c.981-7C>G

Gene: SYN1 (synapsin I; minus strand). Cytogenetic location: Xp11.3.
Variant type: single nucleotide variant.
Coding change: c.981-7C>G on transcript NM_006950.3 (MANE Select); 7 bases into the intron before coding-DNA position 981, C replaced by G.
Molecular consequence: intron variant.
Genome position (GRCh38, 1-based): chrX:47,576,413, G>C on the plus strand (C>G on the coding strand, the complement: SYN1 is on the minus strand). VCF-style: chrX-47576413-G-C. GRCh37 (hg19) VCF-style: chrX-47435812-G-C.
Other names: c.981-7C>G (NM_133499.2).
Identifiers: ClinVar variation 2660429 (VCV002660429.24), dbSNP rs766588921, ClinGen allele CA10398433.

ClinVar aggregate classification (germline): Uncertain significance (1 of 4 stars; one submission).

Allele frequency attached by ClinVar (database versions not stated): gnomAD exomes below 0.00001; 1000 Genomes Project 30x 0.00021.
gnomAD v4.1: 3 of 1,212,083 alleles (0.00025%); highest among the groups gnomAD compares: Non-Finnish European, 0.00022%; no homozygotes.

Submission:

CeGaT Center for Human Genetics Tuebingen
Classification: Uncertain significance. Last evaluated: 2023-07-01. Review status: criteria provided, single submitter. Criteria: CeGaT Center For Human Genetics Tuebingen Variant Classification Criteria Version 2. Collection method: clinical testing. Allele origin: germline. Affected: yes. Observed: 1 variant allele.
Comment: SYN1: PM2, BP4